The following is an entry in ClinVar:

ClinVar aggregate classification (germline): Likely benign. Review status: criteria provided, multiple submitters, no conflicts (2 of 4 stars). 3 submissions from 3 submitters: Likely benign (3). Last evaluated 2025-07-09.

Conditions:
Cardiovascular phenotype. Identifiers: MedGen CN230736.
Familial hypobetalipoproteinemia 1. Also called: Hypobetalipoproteinemia, normotriglyceridemic; Acanthocytosis with hypobetalipoproteinemia; APOB-Related Familial Hypobetalipoproteinemia. Identifiers: MedGen C4551990, MONDO:0014252, OMIM 615558.
Hypercholesterolemia, autosomal dominant, type B (FHCL2). Also called: Familial hypercholesterolemia 2; APOB-Related Familial Hypercholesterolemia, Autosomal Dominant; HYPERCHOLESTEROLEMIA, FAMILIAL, DUE TO LIGAND-DEFECTIVE APOLIPOPROTEIN B; Hyperlipoproteinemia Type IIb; Familial Hypercholesterolemia Type B; APOLIPOPROTEIN B-100, FAMILIAL DEFECTIVE. Identifiers: MedGen C1704417, MONDO:0007751, OMIM 144010.
Familial hypercholesterolemia. Also called: Familial hypercholesterolemias; Familial hypercholesterolaemia. Identifiers: MedGen C0020445, MONDO:0005439.

Allele frequency attached by ClinVar (database versions not stated): gnomAD exomes below 0.00001 and 0.00001.
gnomAD v4.1: 2 of 1,614,208 alleles (0.00012%); highest among the groups gnomAD compares: Admixed American, 0.0033%; no homozygotes.

Submissions (3):

Ambry Genetics
Classification: Likely benign for Cardiovascular phenotype. Last evaluated: 2025-07-09. Review status: criteria provided, single submitter. Criteria: Ambry Variant Classification Scheme 2023. Collection method: clinical testing. Allele origin: germline.

Labcorp Genetics (formerly Invitae), Labcorp
Classification: Likely benign for Familial hypobetalipoproteinemia 1; Hypercholesterolemia, autosomal dominant, type B. Last evaluated: 2024-03-09. Review status: criteria provided, single submitter. Criteria: Invitae Variant Classification Sherloc (09022015). Collection method: clinical testing. Allele origin: germline.

GENinCode PLC
Classification: Likely benign for Familial hypercholesterolemia. Last evaluated: 2023-02-10. Review status: criteria provided, single submitter. Criteria: ACMG Guidelines, 2015. Collection method: clinical testing. Allele origin: germline.
Comment: This is a synonymous (silent) variant that is not predicted by SpliceAI to impact splicing. In addition, it occurs at a nucleotide that is not conserved. Therefore this variant has been classified as Likely Benign (BP4, BP7).

NM_000384.3(APOB):c.420G>A (p.Gln140=)

Gene: APOB (apolipoprotein B; minus strand). Cytogenetic location: 2p24.1.
Variant type: single nucleotide variant.
Coding change: c.420G>A on transcript NM_000384.3 (MANE Select); coding-DNA position 420, G replaced by A.
Protein change: p.Gln140=; no amino-acid change (glutamine 140 retained).
Molecular consequence: synonymous variant.
Genome position (GRCh38, 1-based): chr2:21,038,075, C>T on the plus strand (G>A on the coding strand, the complement: APOB is on the minus strand). VCF-style: chr2-21038075-C-T. GRCh37 (hg19) VCF-style: chr2-21260947-C-T.
Identifiers: ClinVar variation 544119 (VCV000544119.15), dbSNP rs758439614, ClinGen allele CA43465690.